The following is an entry in ClinVar:

ClinVar aggregate classification (germline): Uncertain significance. Review status: criteria provided, multiple submitters, no conflicts (2 of 4 stars). 2 submissions from 2 submitters: Uncertain significance (2). Last evaluated 2024-01-25.

Conditions:
Inborn genetic diseases. Identifiers: MedGen C0950123, MeSH D030342.

Submissions (2):

GeneDx
Classification: Uncertain significance. Last evaluated: 2024-01-25. Review status: criteria provided, single submitter. Criteria: GeneDx Variant Classification Process June 2021. Collection method: clinical testing. Allele origin: germline. Affected: yes.
Comment: Not observed at significant frequency in large population cohorts (gnomAD); In silico analysis is inconclusive as to whether the variant alters gene splicing. In the absence of RNA/functional studies, the actual effect of this sequence change is unknown.; Has not been previously published as pathogenic or benign to our knowledge

Ambry Genetics
Classification: Uncertain significance for Inborn genetic diseases. Last evaluated: 2018-02-07. Review status: criteria provided, single submitter. Criteria: Ambry exome assertion method (8-5-2015). Collection method: clinical testing. Allele origin: germline. Affected: yes. Observed: 1 variant allele.

NM_001197104.2(KMT2A):c.4086G>A (p.Lys1362=)

Gene: KMT2A (lysine methyltransferase 2A; plus strand). Cytogenetic location: 11q23.3.
Variant type: single nucleotide variant.
Coding change: c.4086G>A on transcript NM_001197104.2 (MANE Select); coding-DNA position 4086, G replaced by A.
Protein change: p.Lys1362=; no amino-acid change (lysine 1362 retained).
Molecular consequence: synonymous variant.
Genome position (GRCh38, 1-based): chr11:118,482,495, G>A. VCF-style: chr11-118482495-G-A. GRCh37 (hg19) VCF-style: chr11-118353210-G-A.
Other names: c.4086G>A, p.Lys1362= (NM_005933.4).
Identifiers: ClinVar variation 985134 (VCV000985134.4), dbSNP rs1950151911, ClinGen allele CA477089116.